The following is an entry in ClinVar:

ClinVar aggregate classification (germline): Pathogenic. Review status: reviewed by expert panel (3 of 4 stars). 7 submissions from 7 submitters: Pathogenic (1). 6 of the submissions do not count toward it. Last evaluated 2016-09-08.

Conditions:
Hereditary cancer-predisposing syndrome. Also called: Tumor predisposition; Hereditary neoplastic syndrome; Neoplastic Syndromes, Hereditary; Hereditary Cancer Syndrome. Identifiers: Orphanet 140162, MedGen C0027672, MeSH D009386, MONDO:0015356.
Hereditary breast ovarian cancer syndrome. Also called: Hereditary breast and ovarian cancer syndrome (HBOC); Hereditary breast and ovarian cancer; Hereditary breast and ovarian cancer syndrome; Breast and ovarian cancer; Hereditary breast and/or ovarian cancer syndrome; BRCA1- and BRCA2-Associated Hereditary Breast and Ovarian Cancer. Identifiers: Orphanet 145, MedGen C0677776, MeSH D061325, MONDO:0003582. Disease mechanism: loss of function.
Breast-ovarian cancer, familial, susceptibility to, 2 (BROVCA2). Also called: BRCA2 Hereditary Breast and Ovarian Cancer. Identifiers: Orphanet 145, MedGen C2675520, MONDO:0012933, OMIM 612555. Disease mechanism: loss of function.
Familial cancer of breast. Also called: Hereditary breast cancer; hereditary breast carcinoma; BREAST CANCER, FAMILIAL. Identifiers: Orphanet 227535, MedGen C0346153, MONDO:0016419, OMIM 114480. Disease mechanism: loss of function.

Submissions (7):

Evidence-based Network for the Interpretation of Germline Mutant Alleles (ENIGMA)
Classification: Pathogenic for Breast-ovarian cancer, familial, susceptibility to, 2. Last evaluated: 2016-09-08. Review status: reviewed by expert panel. Criteria: ENIGMA BRCA1/2 Classification Criteria (2015). Collection method: curation. Allele origin: germline.
Comment: Variant allele predicted to encode a truncated non-functional protein.

GeneDx
Classification: Pathogenic. Last evaluated: 2024-07-15. Review status: criteria provided, single submitter. Criteria: GeneDx Variant Classification Process June 2021. Collection method: clinical testing. Allele origin: germline. Not counted in ClinVar's aggregate classification.
Comment: Nonsense variant predicted to result in protein truncation or nonsense mediated decay in a gene for which loss of function is a known mechanism of disease; Not observed at significant frequency in large population cohorts (gnomAD); Identified in individuals with breast or ovarian cancer (PMID: 33552952); Truncating variants in this gene are considered pathogenic by a well-established clinical consortium and/or database; Also known as 2135C>G; This variant is associated with the following publications: (PMID: 20104584, 33552952)

Baylor Genetics
Classification: Pathogenic for Familial cancer of breast. Last evaluated: 2023-05-26. Review status: criteria provided, single submitter. Criteria: ACMG Guidelines, 2015. Collection method: clinical testing. Allele origin: unknown. Not counted in ClinVar's aggregate classification.

Labcorp Genetics (formerly Invitae), Labcorp
Classification: Pathogenic for Hereditary breast ovarian cancer syndrome. Last evaluated: 2023-02-22. Review status: criteria provided, single submitter. Criteria: Invitae Variant Classification Sherloc (09022015). Collection method: clinical testing. Allele origin: germline. Not counted in ClinVar's aggregate classification.
Comment: This sequence change creates a premature translational stop signal (p.Ser636*) in the BRCA2 gene. It is expected to result in an absent or disrupted protein product. Loss-of-function variants in BRCA2 are known to be pathogenic (PMID: 20104584). This variant is not present in population databases (gnomAD no frequency). This variant has not been reported in the literature in individuals affected with BRCA2-related conditions. ClinVar contains an entry for this variant (Variation ID: 96772). For these reasons, this variant has been classified as Pathogenic.

Ambry Genetics
Classification: Pathogenic for Hereditary cancer-predisposing syndrome. Last evaluated: 2022-09-29. Review status: criteria provided, single submitter. Criteria: Ambry Variant Classification Scheme 2023. Collection method: clinical testing. Allele origin: germline. Not counted in ClinVar's aggregate classification.
Comment: The p.S636* pathogenic mutation (also known as c.1907C>G), located in coding exon 9 of the BRCA2 gene, results from a C to G substitution at nucleotide position 1907. This changes the amino acid from a serine to a stop codon within coding exon 9. This alteration has been reported in an Indian breast and ovarian cancer cohort (Kadri MSN et al. Front Oncol, 2020 Jan;10:568786). This variant is considered to be rare based on population cohorts in the Genome Aggregation Database (gnomAD). In addition to the clinical data presented in the literature, this alteration is expected to result in loss of function by premature protein truncation or nonsense-mediated mRNA decay. As such, this alteration is interpreted as a disease-causing mutation.

CeGaT Center for Human Genetics Tuebingen
Classification: Pathogenic. Last evaluated: 2021-09-01. Review status: criteria provided, single submitter. Criteria: CeGaT Center For Human Genetics Tuebingen Variant Classification Criteria Version 2. Collection method: clinical testing. Allele origin: germline. Affected: yes. Observed: 1 variant allele. Not counted in ClinVar's aggregate classification.

Sharing Clinical Reports Project (SCRP)
Classification: Likely pathogenic for Breast-ovarian cancer, familial 2. Last evaluated: 2013-01-17. Review status: no assertion criteria provided. Collection method: clinical testing. Allele origin: germline. Not counted in ClinVar's aggregate classification.

Literature cited by the submitters: PubMed 20104584 (cited by Labcorp Genetics (formerly Invitae), Labcorp); PubMed 33552952 (cited by Ambry Genetics).

NM_000059.4(BRCA2):c.1907C>G (p.Ser636Ter)

Gene: BRCA2 (BRCA2 DNA repair associated; plus strand). Cytogenetic location: 13q13.1.
Variant type: single nucleotide variant.
Coding change: c.1907C>G on transcript NM_000059.4 (MANE Select); coding-DNA position 1907, C replaced by G.
Protein change: p.Ser636Ter; replaces serine 636 with a stop codon.
Molecular consequence: nonsense.
Genome position (GRCh38, 1-based): chr13:32,333,385, C>G. VCF-style: chr13-32333385-C-G. GRCh37 (hg19) VCF-style: chr13-32907522-C-G.
Other names: 2135C>G; short protein forms S636*.
Identifiers: ClinVar variation 96772 (VCV000096772.48), dbSNP rs431825288, ClinGen allele CA013790.